The following is an entry in ClinVar:

ClinVar aggregate classification (germline): Likely benign. Review status: criteria provided, multiple submitters, no conflicts (2 of 4 stars). 2 submissions from 2 submitters: Likely benign (2). Last evaluated 2025-07-29.

Allele frequency attached by ClinVar (database versions not stated): ExAC 0.00008; TOPMed 0.00003; gnomAD exomes 0.00003.

Submissions (2):

Mayo Clinic Laboratories, Mayo Clinic
Classification: Likely benign. Last evaluated: 2025-07-29. Review status: criteria provided, single submitter. Criteria: ACMG Guidelines, 2015. Collection method: clinical testing. Allele origin: germline. Observed: 1 variant allele.
Comment: BP4, BP7

Labcorp Genetics (formerly Invitae), Labcorp
Classification: Likely benign. Last evaluated: 2023-10-27. Review status: criteria provided, single submitter. Criteria: Invitae Variant Classification Sherloc (09022015). Collection method: clinical testing. Allele origin: germline.

NM_001142864.4(PIEZO1):c.2157G>A (p.Thr719=)

Genes: HSALR1 (HSP90AB1 associated lncRNA 1; plus strand), PIEZO1 (piezo type mechanosensitive ion channel component 1 (Er blood group); minus strand). Cytogenetic location: 16q24.3.
Variant type: single nucleotide variant.
Coding change: c.2157G>A on transcript NM_001142864.4 (MANE Select); coding-DNA position 2157, G replaced by A.
Protein change: p.Thr719=; no amino-acid change (threonine 719 retained).
Molecular consequence: synonymous variant.
Genome position (GRCh38, 1-based): chr16:88,734,379, C>T on the plus strand (G>A on the coding strand, the complement: PIEZO1 is on the minus strand). VCF-style: chr16-88734379-C-T. GRCh37 (hg19) VCF-style: chr16-88800787-C-T.
Other names: p.Thr719=.
Identifiers: ClinVar variation 739103 (VCV000739103.8), dbSNP rs750187093, ClinGen allele CA8232860.